The following is an entry in ClinVar:

NM_000016.6(ACADM):c.745G>A (p.Gly249Arg)

Gene: ACADM (acyl-CoA dehydrogenase medium chain; plus strand). Cytogenetic location: 1p31.1.
Variant type: single nucleotide variant.
Coding change: c.745G>A on transcript NM_000016.6 (MANE Select); coding-DNA position 745, G replaced by A.
Protein change: p.Gly249Arg; replaces glycine 249 with arginine.
Molecular consequence: missense variant.
Genome position (GRCh38, 1-based): chr1:75,749,455, G>A. VCF-style: chr1-75749455-G-A. GRCh37 (hg19) VCF-style: chr1-76215140-G-A.
Other names: c.757G>A, p.Gly253Arg (NM_001127328.3); c.637G>A, p.Gly213Arg (NM_001286042.2); c.844G>A, p.Gly282Arg (NM_001286043.2); c.178G>A, p.Gly60Arg (NM_001286044.2); short protein forms G213R, G249R, G253R, G60R, G282R.
Identifiers: ClinVar variation 3587873 (VCV003587873.2).

ClinVar aggregate classification (germline): Conflicting classifications of pathogenicity. Review status: criteria provided, conflicting classifications (1 of 4 stars). 2 submissions from 2 submitters: Likely pathogenic (1); Uncertain significance (1). Last evaluated 2025-09-05.

Conditions:
Medium-chain acyl-coenzyme A dehydrogenase deficiency (ACADMD). Also called: CARNITINE DEFICIENCY SECONDARY TO MEDIUM-CHAIN ACYL-CoA DEHYDROGENASE DEFICIENCY; MCADH DEFICIENCY; MCADD; Medium chain acyl-CoA dehydrogenase deficiency; ACADM DEFICIENCY; MCAD Deficiency. Identifiers: Orphanet 42, MedGen C0220710, MONDO:0008721, OMIM 201450.

gnomAD v4.1: 4 of 1,614,008 alleles (0.00025%); highest among the groups gnomAD compares: Non-Finnish European, 0.00034%; no homozygotes.

Submissions (2):

Myriad Genetics, Inc.
Classification: Uncertain significance for Medium-chain acyl-coenzyme A dehydrogenase deficiency. Last evaluated: 2025-09-05. Review status: criteria provided, single submitter. Criteria: Myriad Autosomal Dominant, Autosomal Recessive and X-Linked Classification Criteria (2023). Collection method: clinical testing. Allele origin: unknown.
Comment: NM_000016.4(ACADM):c.745G>A(G249R) is a missense variant classified as a variant of uncertain significance in the context of medium-chain acyl-CoA dehydrogenase deficiency. G249R has been observed in a case with relevant disease (PMID: 31012112). Relevant functional assessments of this variant are not available in the literature. G249R has not been observed in referenced population frequency databases. In summary, there is insufficient evidence to classify NM_000016.4(ACADM):c.745G>A(G249R) as pathogenic or benign. Please note: this variant was assessed in the context of healthy population screening.

Fulgent Genetics
Classification: Likely pathogenic for Medium-chain acyl-coenzyme A dehydrogenase deficiency. Last evaluated: 2024-02-26. Review status: criteria provided, single submitter. Criteria: ACMG Guidelines, 2015. Collection method: clinical testing. Allele origin: germline.

Literature cited by the submitters: PubMed 31012112 (cited by Myriad Genetics, Inc.).